The following is an entry in ClinVar:

ClinVar aggregate classification (germline): Uncertain significance. Review status: criteria provided, multiple submitters, no conflicts (2 of 4 stars). 4 submissions from 4 submitters: Uncertain significance (4). Last evaluated 2026-08-26.

Conditions:
Cardiovascular phenotype. Identifiers: MedGen CN230736.
RASopathy. Also called: rasopathies; Noonan spectrum disorder. Identifiers: Orphanet 536391, MedGen C5555857, MONDO:0021060.

gnomAD v4.1: 3 of 1,614,188 alleles (0.00019%); highest among the groups gnomAD compares: Non-Finnish European, 0.00017%; no homozygotes.

Submissions (4):

Ambry Genetics
Classification: Uncertain significance for Cardiovascular phenotype. Last evaluated: 2026-08-26. Review status: criteria provided, single submitter. Criteria: Ambry Variant Classification Scheme 2023. Collection method: clinical testing. Allele origin: germline.
Comment: The p.K171R variant (also known as c.512A>G), located in coding exon 4 of the RAF1 gene, results from an A to G substitution at nucleotide position 512. The lysine at codon 171 is replaced by arginine, an amino acid with highly similar properties. This variant was reported in individual(s) with features consistent with hypertrophic cardiomyopathy (HCM) (Hoss S et al. Circ Genom Precis Med, 2020 Apr;13:e002748). This amino acid position is highly conserved in available vertebrate species. In addition, the in silico prediction for this alteration is inconclusive. Based on the available evidence, the clinical significance of this variant remains unclear.

GeneDx
Classification: Uncertain significance. Last evaluated: 2024-06-18. Review status: criteria provided, single submitter. Criteria: GeneDx Variant Classification Process June 2021. Collection method: clinical testing. Allele origin: germline. Affected: yes.
Comment: Reported in an adult patient with HCM but without extracardiac manifestations compatible with Noonan syndrome (PMID: 32150461); Not observed at significant frequency in large population cohorts (gnomAD); Missense variants in this gene are a common cause of disease and they are underrepresented in the general population; In silico analysis indicates that this missense variant does not alter protein structure/function; This variant is associated with the following publications: (PMID: 29493581, 32150461)

Labcorp Genetics (formerly Invitae), Labcorp
Classification: Uncertain significance for RASopathy. Last evaluated: 2020-01-20. Review status: criteria provided, single submitter. Criteria: Invitae Variant Classification Sherloc (09022015). Collection method: clinical testing. Allele origin: germline.
Comment: In summary, the available evidence is currently insufficient to determine the role of this variant in disease. Therefore, it has been classified as a Variant of Uncertain Significance. Algorithms developed to predict the effect of sequence changes on RNA splicing suggest that this variant may create or strengthen a splice site, but this prediction has not been confirmed by published transcriptional studies. Algorithms developed to predict the effect of missense changes on protein structure and function are either unavailable or do not agree on the potential impact of this missense change (SIFT: "Tolerated"; PolyPhen-2: "Possibly Damaging"; Align-GVGD: "Class C0"). This variant has not been reported in the literature in individuals with RAF1-related conditions. ClinVar contains an entry for this variant (Variation ID: 229180). This variant is not present in population databases (ExAC no frequency). This sequence change replaces lysine with arginine at codon 171 of the RAF1 protein (p.Lys171Arg). The lysine residue is highly conserved and there is a small physicochemical difference between lysine and arginine.

Laboratory for Molecular Medicine, Mass General Brigham Personalized Medicine
Classification: Uncertain significance. Last evaluated: 2015-04-29. Review status: criteria provided, single submitter. Criteria: LMM Criteria. Collection method: clinical testing. Allele origin: germline. Observed: 1 variant allele.
Comment: The p.Lys171Arg variant in RAF1 has not been previously reported in individuals with clinical features of Noonan syndrome and was absent from large population s tudies. Computational prediction tools do not provide strong support for or agai nst an impact to the protein. Lysine (Lys) at position 171 is not conserved in m ammals or evolutionarily distant species and the change to arginine (Arg) is pre sent in rhesus and fruitfly, raising the possibility that this change may be tol erated. In summary, the clinical significance of the p.Lys171Arg variant is unce rtain.

Literature cited by the submitters: PubMed 32150461 (cited by Ambry Genetics).

NM_002880.4(RAF1):c.512A>G (p.Lys171Arg)

Gene: RAF1 (Raf-1 proto-oncogene, serine/threonine kinase; minus strand). Cytogenetic location: 3p25.2.
Variant type: single nucleotide variant.
Coding change: c.512A>G on transcript NM_002880.4 (MANE Select); coding-DNA position 512, A replaced by G.
Protein change: p.Lys171Arg; replaces lysine 171 with arginine.
Molecular consequence: missense variant. On other transcripts: non-coding transcript variant (3).
Genome position (GRCh38, 1-based): chr3:12,608,835, T>C on the plus strand (A>G on the coding strand, the complement: RAF1 is on the minus strand). VCF-style: chr3-12608835-T-C. GRCh37 (hg19) VCF-style: chr3-12650334-T-C.
Other names: c.512A>G, p.Lys171Arg (NM_001354689.3, NM_001354690.3, NM_001354693.3); c.269A>G, p.Lys90Arg (NM_001354691.3, NM_001354692.3, NM_001354694.3 and 1 more transcripts); short protein forms K171R, K90R.
Identifiers: ClinVar variation 229180 (VCV000229180.18), dbSNP rs876657969, ClinGen allele CA10576604.
Genomic context (GRCh38, chr3:12,608,835, plus strand): 5'-CTGATGTTACTCCAGTCCACACACATAGTAGGTACTTTGGTGCTACAGTGCTCATGAAAT[T>C]TGTAGCCACAAGTCTGACATCGAAATCCATTGAGCAGGAATTTCTGACAGATGTCACAGA-3'
Protein context (NP_002871.1, residues 161-181): NGFRCQTCGY[Lys171Arg]FHEHCSTKVP